The following is an entry in ClinVar:

NM_000142.5(FGFR3):c.870C>T (p.His290=)

Gene: FGFR3 (fibroblast growth factor receptor 3; plus strand). Cytogenetic location: 4p16.3.
Variant type: single nucleotide variant.
Coding change: c.870C>T on transcript NM_000142.5 (MANE Select); coding-DNA position 870, C replaced by T.
Protein change: p.His290=; no amino-acid change (histidine 290 retained).
Molecular consequence: synonymous variant. On other transcripts: non-coding transcript variant (1).
Genome position (GRCh38, 1-based): chr4:1,801,965, C>T. VCF-style: chr4-1801965-C-T. GRCh37 (hg19) VCF-style: chr4-1803692-C-T.
Other names: c.870C>T, p.His290= (NM_001163213.2, NM_001354809.2, NM_001354810.2 and 1 more transcripts).
Identifiers: ClinVar variation 1174959 (VCV001174959.10), dbSNP rs370518637, ClinGen allele CA2809999.

ClinVar aggregate classification (germline): Likely benign. Review status: criteria provided, multiple submitters, no conflicts (2 of 4 stars). 6 submissions from 6 submitters: Likely benign (3). 3 of the submissions do not count toward it. Last evaluated 2025-10-09.

Conditions:
FGFR3-related disorder. Also called: FGFR3-related disorders.

Allele frequency attached by ClinVar (database versions not stated): gnomAD 0.00002; gnomAD exomes 0.00002 and 0.00003; ExAC 0.00003; TOPMed 0.00006; ESP Exome Variant Server 0.00015.
gnomAD v4.1: 41 of 1,612,692 alleles (0.0025%); highest among the groups gnomAD compares: African/African-American, 0.017%; 1 homozygote.

Submissions (6):

Labcorp Genetics (formerly Invitae), Labcorp
Classification: Likely benign. Last evaluated: 2025-10-09. Review status: criteria provided, single submitter. Criteria: Invitae Variant Classification Sherloc (09022015). Collection method: clinical testing. Allele origin: germline.

Blueprint Genetics
Classification: Likely benign. Last evaluated: 2024-07-02. Review status: criteria provided, single submitter. Criteria: ACMG Guidelines, 2015. Collection method: clinical testing. Allele origin: germline.

GeneDx
Classification: Likely benign. Last evaluated: 2020-04-20. Review status: criteria provided, single submitter. Criteria: GeneDx Variant Classification Process June 2021. Collection method: clinical testing. Allele origin: germline. Affected: yes.

PreventionGenetics, part of Exact Sciences
Classification: Likely benign for FGFR3-related condition. Last evaluated: 2019-03-11. Review status: no assertion criteria provided. Collection method: clinical testing. Allele origin: germline. Not counted in ClinVar's aggregate classification.
Comment: This variant is classified as likely benign based on ACMG/AMP sequence variant interpretation guidelines (Richards et al. 2015 PMID: 25741868, with internal and published modifications).

Diagnostic Laboratory, Department of Genetics, University Medical Center Groningen
Classification: Likely benign. Review status: no assertion criteria provided. Collection method: clinical testing. Allele origin: germline. Affected: yes. Study: VKGL Data-share Consensus. Not counted in ClinVar's aggregate classification.

Genome Diagnostics Laboratory, University Medical Center Utrecht
Classification: Likely benign. Review status: no assertion criteria provided. Collection method: clinical testing. Allele origin: germline. Affected: yes. Study: VKGL Data-share Consensus. Not counted in ClinVar's aggregate classification.